The following is an entry in ClinVar:

NM_032043.3(BRIP1):c.1524T>C (p.Tyr508=)

Gene: BRIP1 (BRCA1 interacting DNA helicase 1; minus strand). Cytogenetic location: 17q23.2.
Variant type: single nucleotide variant.
Coding change: c.1524T>C on transcript NM_032043.3 (MANE Select); coding-DNA position 1524, T replaced by C.
Protein change: p.Tyr508=; no amino-acid change (tyrosine 508 retained).
Molecular consequence: synonymous variant.
Genome position (GRCh38, 1-based): chr17:61,784,374, A>G on the plus strand (T>C on the coding strand, the complement: BRIP1 is on the minus strand). VCF-style: chr17-61784374-A-G. GRCh37 (hg19) VCF-style: chr17-59861735-A-G.
Identifiers: ClinVar variation 414669 (VCV000414669.18), dbSNP rs1060504326, ClinGen allele CA16615814.
Genomic context (GRCh38, chr17:61,784,374, plus strand): 5'-TTTAAGCATTATTTGAGTTGATGCACTAATAACAGGTACTTCTCTTGCCTCCTCTTTACC[A>G]TAAATTGGTGAGATTTTTTCCTCTTTTTGAAGAACAGCAGAAAAATGTCCCTATAAGAAA-3'
Protein context (NP_114432.2, residues 498-518): LQKEEKISPI[Tyr508=]GKEEAREVPV

ClinVar aggregate classification (germline): Benign/Likely benign. Review status: criteria provided, multiple submitters, no conflicts (2 of 4 stars). 4 submissions from 4 submitters: Benign (1); Likely benign (3). Last evaluated 2025-12-23.

Conditions:
Fanconi anemia complementation group J. Also called: BRIP1-Related Fanconi Anemia. Identifiers: Orphanet 84, MedGen C1836860, MONDO:0012187, OMIM 609054.
Familial cancer of breast. Also called: Hereditary breast cancer; BREAST CANCER, FAMILIAL; hereditary breast carcinoma. Identifiers: Orphanet 227535, MedGen C0346153, MONDO:0016419, OMIM 114480. Disease mechanism: loss of function.
Hereditary cancer-predisposing syndrome. Also called: Tumor predisposition; Neoplastic Syndromes, Hereditary; Hereditary Cancer Syndrome; Hereditary neoplastic syndrome. Identifiers: Orphanet 140162, MedGen C0027672, MeSH D009386, MONDO:0015356.

Allele frequency attached by ClinVar (database versions not stated): gnomAD exomes below 0.00001.
gnomAD v4.1: 4 of 1,613,478 alleles (0.00025%); highest among the groups gnomAD compares: Non-Finnish European, 0.00034%; no homozygotes.

Submissions (4):

Labcorp Genetics (formerly Invitae), Labcorp
Classification: Likely benign for Familial cancer of breast; Fanconi anemia complementation group J. Last evaluated: 2025-12-23. Review status: criteria provided, single submitter. Criteria: Invitae Variant Classification Sherloc (09022015). Collection method: clinical testing. Allele origin: germline.

Ambry Genetics
Classification: Likely benign for Hereditary cancer-predisposing syndrome. Last evaluated: 2025-03-17. Review status: criteria provided, single submitter. Criteria: Ambry Variant Classification Scheme 2023. Collection method: clinical testing. Allele origin: germline.

Myriad Genetics, Inc.
Classification: Benign for Familial cancer of breast. Last evaluated: 2024-08-28. Review status: criteria provided, single submitter. Criteria: Myriad Autosomal Dominant, Autosomal Recessive and X-Linked Classification Criteria (2023). Collection method: clinical testing. Allele origin: unknown.
Comment: This variant is considered benign. This variant is a silent/synonymous amino acid change and it is not expected to impact splicing.

Color Diagnostics, LLC DBA Color Health
Classification: Likely benign for Hereditary cancer-predisposing syndrome. Last evaluated: 2017-09-28. Review status: criteria provided, single submitter. Criteria: ACMG Guidelines, 2015. Collection method: clinical testing. Allele origin: germline.